The following is an entry in ClinVar:

NM_001130438.3(SPTAN1):c.3647G>T (p.Arg1216Leu)

Gene: SPTAN1 (spectrin alpha, non-erythrocytic 1; plus strand). Cytogenetic location: 9q34.11.
Variant type: single nucleotide variant.
Coding change: c.3647G>T on transcript NM_001130438.3 (MANE Select); coding-DNA position 3647, G replaced by T.
Protein change: p.Arg1216Leu; replaces arginine 1216 with leucine.
Molecular consequence: missense variant.
Genome position (GRCh38, 1-based): chr9:128,604,345, G>T. VCF-style: chr9-128604345-G-T. GRCh37 (hg19) VCF-style: chr9-131366624-G-T.
Other names: c.3587G>T, p.Arg1196Leu (NM_001195532.2, NM_001363765.2, NM_001375314.2); c.3647G>T, p.Arg1216Leu (NM_001363759.2, NM_001375310.1, NM_001375311.2 and 2 more transcripts); c.3683G>T, p.Arg1228Leu (NM_001375312.2, NM_001375318.1); short protein forms R1196L, R1228L, R1216L.
Identifiers: ClinVar variation 1901769 (VCV001901769.5), dbSNP rs199588924, ClinGen allele CA5265008.

ClinVar aggregate classification (germline): Uncertain significance (1 of 4 stars; one submission).

Conditions:
Early-infantile DEE. Also called: Ohtahara syndrome; Early infantile epileptic encephalopathy; Early infantile epileptic encephalopathy with suppression bursts. Identifiers: Orphanet 1934, MedGen C0393706, MONDO:0800491.

Allele frequency attached by ClinVar (database versions not stated): 1000 Genomes Project 0.00020; 1000 Genomes Project 30x 0.00031.
gnomAD v4.1: 3 of 1,613,990 alleles (0.00019%); highest among the groups gnomAD compares: African/African-American, 0.0027%; no homozygotes.

Submission:

Labcorp Genetics (formerly Invitae), Labcorp
Classification: Uncertain significance for Early-infantile DEE. Last evaluated: 2022-07-12. Review status: criteria provided, single submitter. Criteria: Invitae Variant Classification Sherloc (09022015). Collection method: clinical testing. Allele origin: germline.
Comment: This sequence change replaces arginine, which is basic and polar, with leucine, which is neutral and non-polar, at codon 1216 of the SPTAN1 protein (p.Arg1216Leu). In summary, the available evidence is currently insufficient to determine the role of this variant in disease. Therefore, it has been classified as a Variant of Uncertain Significance. Algorithms developed to predict the effect of missense changes on protein structure and function are either unavailable or do not agree on the potential impact of this missense change (SIFT: "Deleterious"; PolyPhen-2: "Benign"; Align-GVGD: "Class C15"). This variant has not been reported in the literature in individuals affected with SPTAN1-related conditions. This variant is present in population databases (rs199588924, gnomAD 0.01%).